The following is an entry in ClinVar:

ClinVar aggregate classification (germline): Likely benign. Review status: criteria provided, multiple submitters, no conflicts (2 of 4 stars). 2 submissions from 2 submitters: Likely benign (2). Last evaluated 2026-04-01.

Conditions:
Vici syndrome (VICIS). Identifiers: Orphanet 1493, MedGen C1855772, MONDO:0009452, OMIM 242840.

Allele frequency attached by ClinVar (database versions not stated): ExAC 0.00002; gnomAD 0.00002; gnomAD exomes 0.00003; TOPMed 0.00003; ESP Exome Variant Server 0.00008.
gnomAD v4.1: 51 of 1,610,446 alleles (0.0032%); highest among the groups gnomAD compares: Non-Finnish European, 0.004%; no homozygotes.

Submissions (2):

CeGaT Center for Human Genetics Tuebingen
Classification: Likely benign. Last evaluated: 2026-04-01. Review status: criteria provided, single submitter. Criteria: CeGaT Center For Human Genetics Tuebingen Variant Classification Criteria Version 2. Collection method: clinical testing. Allele origin: germline. Affected: yes. Observed: 1 variant allele.
Comment: EPG5: BP4, BP7

Labcorp Genetics (formerly Invitae), Labcorp
Classification: Likely benign for Vici syndrome. Last evaluated: 2026-01-26. Review status: criteria provided, single submitter. Criteria: Invitae Variant Classification Sherloc (09022015). Collection method: clinical testing. Allele origin: germline.

NM_020964.3(EPG5):c.3576A>G (p.Gln1192=)

Gene: EPG5 (ectopic P-granules 5 autophagy tethering factor; minus strand). Cytogenetic location: 18q21.1.
Variant type: single nucleotide variant.
Coding change: c.3576A>G on transcript NM_020964.3 (MANE Select); coding-DNA position 3576, A replaced by G.
Protein change: p.Gln1192=; no amino-acid change (glutamine 1192 retained).
Molecular consequence: synonymous variant.
Genome position (GRCh38, 1-based): chr18:45,916,015, T>C on the plus strand (A>G on the coding strand, the complement: EPG5 is on the minus strand). VCF-style: chr18-45916015-T-C. GRCh37 (hg19) VCF-style: chr18-43495980-T-C.
Other names: c.3576A>G, p.Gln1192= (NM_001410858.1, NM_001410859.1).
Identifiers: ClinVar variation 2917591 (VCV002917591.5), dbSNP rs200785029, ClinGen allele CA8949140.
Genomic context (GRCh38, chr18:45,916,015, plus strand): 5'-AGCTACTTTATCTAGCCAATCACTGAAAGATAAATTCTCTAACAGGTTAATTACCTTATG[T>C]TGTTGGTAGAGTAATTTCTGTATGCAGTCTTCCTGCATCAGCTGAAAAGCTGCTTTACAC-3'
Protein context (NP_066015.2, residues 1182-1202): EDCIQKLLYQ[Gln1192=]HKNALGYHCD